The following is an entry in ClinVar:

ClinVar aggregate classification (germline): Uncertain significance (1 of 4 stars; one submission).

Conditions:
Deficiency of isobutyryl-CoA dehydrogenase. Also called: ACYL-CoA DEHYDROGENASE FAMILY, MEMBER 8, DEFICIENCY OF; IBD DEFICIENCY; ACAD8 DEFICIENCY. Identifiers: Orphanet 79159, MedGen C1969809, MONDO:0012648, OMIM 611283.

Submission:

Labcorp Genetics (formerly Invitae), Labcorp
Classification: Uncertain significance for Deficiency of isobutyryl-CoA dehydrogenase. Last evaluated: 2025-07-07. Review status: criteria provided, single submitter. Criteria: Invitae Variant Classification Sherloc (09022015). Collection method: clinical testing. Allele origin: germline.
Comment: This sequence change replaces serine, which is neutral and polar, with proline, which is neutral and non-polar, at codon 106 of the ACAD8 protein (p.Ser106Pro). This variant is not present in population databases (gnomAD no frequency). This variant has not been reported in the literature in individuals affected with ACAD8-related conditions. ClinVar contains an entry for this variant (Variation ID: 1524558). Invitae Evidence Modeling of protein sequence and biophysical properties (such as structural, functional, and spatial information, amino acid conservation, physicochemical variation, residue mobility, and thermodynamic stability) indicates that this missense variant is expected to disrupt ACAD8 protein function with a positive predictive value of 95%. In summary, the available evidence is currently insufficient to determine the role of this variant in disease. Therefore, it has been classified as a Variant of Uncertain Significance.

NM_014384.3(ACAD8):c.316T>C (p.Ser106Pro)

Gene: ACAD8 (acyl-CoA dehydrogenase family member 8; plus strand). Cytogenetic location: 11q25.
Variant type: single nucleotide variant.
Coding change: c.316T>C on transcript NM_014384.3 (MANE Select); coding-DNA position 316, T replaced by C.
Protein change: p.Ser106Pro; replaces serine 106 with proline.
Molecular consequence: missense variant.
Genome position (GRCh38, 1-based): chr11:134,257,193, T>C. VCF-style: chr11-134257193-T-C. GRCh37 (hg19) VCF-style: chr11-134127087-T-C.
Other names: short protein forms S106P.
Identifiers: ClinVar variation 1524558 (VCV001524558.8), dbSNP rs2136076309, ClinGen allele CA383513334.